The following is an entry in ClinVar:

NM_004380.3(CREBBP):c.1942-5T>C

Gene: CREBBP (CREB binding lysine acetyltransferase; minus strand). Cytogenetic location: 16p13.3.
Variant type: single nucleotide variant.
Coding change: c.1942-5T>C on transcript NM_004380.3 (MANE Select); 5 bases into the intron before coding-DNA position 1942, T replaced by C.
Molecular consequence: intron variant.
Genome position (GRCh38, 1-based): chr16:3,778,187, A>G on the plus strand (T>C on the coding strand, the complement: CREBBP is on the minus strand). VCF-style: chr16-3778187-A-G. GRCh37 (hg19) VCF-style: chr16-3828188-A-G.
Other names: c.1828-5T>C (NM_001079846.1); c.1942-5T>C (NM_004380.2).
Identifiers: ClinVar variation 1253813 (VCV001253813.7), dbSNP rs1482514446, ClinGen allele CA720710965.

ClinVar aggregate classification (germline): Conflicting classifications of pathogenicity. Review status: criteria provided, conflicting classifications (1 of 4 stars). 4 submissions from 4 submitters: Uncertain significance (1); Likely benign (2). 1 of the submissions does not count toward it. Last evaluated 2024-05-08.

Conditions:
Rubinstein-Taybi syndrome due to CREBBP mutations (RSTS1). Also called: BROAD THUMBS AND GREAT TOES, CHARACTERISTIC FACIES, AND IMPAIRED INTELLECTUAL DEVELOPMENT; RUBINSTEIN-TAYBI SYNDROME 1, INCOMPLETE; CREBBP-Related Rubinstein-Taybi Syndrome; BROAD THUMB-HALLUX SYNDROME; Rubinstein-Taybi syndrome 1; RUBINSTEIN SYNDROME. Identifiers: Orphanet 353277, Orphanet 783, MedGen C4551859, MONDO:0008393, OMIM 180849.
Menke-Hennekam syndrome 1 (MKHK1). Identifiers: MedGen C5193034, MONDO:0020763, OMIM 618332.
CREBBP-related disorder. Also called: CREBBP-related disorders; CREBBP-related condition.
Rubinstein-Taybi syndrome (RSTS). Identifiers: Orphanet 783, MedGen C0035934, MONDO:0019188.

Allele frequency attached by ClinVar (database versions not stated): TOPMed below 0.00001.

Submissions (4):

Fulgent Genetics
Classification: Uncertain significance for Rubinstein-Taybi syndrome due to CREBBP mutations; Menke-Hennekam syndrome 1. Last evaluated: 2024-05-08. Review status: criteria provided, single submitter. Criteria: ACMG Guidelines, 2015. Collection method: clinical testing. Allele origin: germline.

Labcorp Genetics (formerly Invitae), Labcorp
Classification: Likely benign for Rubinstein-Taybi syndrome. Last evaluated: 2023-04-25. Review status: criteria provided, single submitter. Criteria: Invitae Variant Classification Sherloc (09022015). Collection method: clinical testing. Allele origin: germline.

GeneDx
Classification: Likely benign. Last evaluated: 2020-12-02. Review status: criteria provided, single submitter. Criteria: GeneDx Variant Classification Process June 2021. Collection method: clinical testing. Allele origin: germline. Affected: yes.
Comment: In silico analysis supports that this variant does not alter splicing; Has not been previously published as pathogenic or benign to our knowledge

PreventionGenetics, part of Exact Sciences
Classification: Likely benign for CREBBP-related condition. Last evaluated: 2023-01-19. Review status: no assertion criteria provided. Collection method: clinical testing. Allele origin: germline. Not counted in ClinVar's aggregate classification.
Comment: This variant is classified as likely benign based on ACMG/AMP sequence variant interpretation guidelines (Richards et al. 2015 PMID: 25741868, with internal and published modifications).